The following is an entry in ClinVar:

ClinVar aggregate classification (germline): Uncertain significance (1 of 4 stars; one submission).

Conditions:
Hereditary cancer-predisposing syndrome. Also called: Tumor predisposition; Neoplastic Syndromes, Hereditary; Hereditary Cancer Syndrome; Hereditary neoplastic syndrome. Identifiers: Orphanet 140162, MedGen C0027672, MeSH D009386, MONDO:0015356.

Submission:

Ambry Genetics
Classification: Uncertain significance for Hereditary cancer-predisposing syndrome. Last evaluated: 2025-01-10. Review status: criteria provided, single submitter. Criteria: Ambry Variant Classification Scheme 2023. Collection method: clinical testing. Allele origin: germline.
Comment: The p.K168N variant (also known as c.504G>T), located in coding exon 3 of the PHOX2B gene, results from a G to T substitution at nucleotide position 504. The lysine at codon 168 is replaced by asparagine, an amino acid with similar properties. This amino acid position is conserved. In addition, this alteration is predicted to be tolerated by in silico analysis. Based on the available evidence, the clinical significance of this variant remains unclear.

NM_003924.4(PHOX2B):c.504G>T (p.Lys168Asn)

Gene: PHOX2B (paired like homeobox 2B; minus strand). Cytogenetic location: 4p13.
Variant type: single nucleotide variant.
Coding change: c.504G>T on transcript NM_003924.4 (MANE Select); coding-DNA position 504, G replaced by T.
Protein change: p.Lys168Asn; replaces lysine 168 with asparagine.
Molecular consequence: missense variant.
Genome position (GRCh38, 1-based): chr4:41,746,248, C>A on the plus strand (G>T on the coding strand, the complement: PHOX2B is on the minus strand). VCF-style: chr4-41746248-C-A. GRCh37 (hg19) VCF-style: chr4-41748265-C-A.
Other names: short protein forms K168N.
Identifiers: ClinVar variation 3888492 (VCV003888492.1).
Genomic context (GRCh38, chr4:41,746,248, plus strand): 5'-CTTGGCCTCTTTGCTCTCGTCGTCCCTGGAAGAGTCAGACTTTTTGCCCGAGGAGCCGTT[C>A]TTGGCCGCGGCCGCTGCGGCTGCCGCTGCGCGCTCCTGCTTGCGAAACTTGGCGCGGCGG-3'
Protein context (NP_003915.2, residues 158-178): RAAAAAAAAA[Lys168Asn]NGSSGKKSDS